The following is an entry in ClinVar:

ClinVar aggregate classification (germline): Conflicting classifications of pathogenicity. Review status: criteria provided, conflicting classifications (1 of 4 stars). 7 submissions from 6 submitters: Uncertain significance (3); Benign (1); Likely benign (2). 1 of the submissions does not count toward it. Last evaluated 2026-01-27.

Conditions:
Arthrogryposis, distal, type 2B3. Also called: Arthrogryposis, distal, type 2B3 (Sheldon-Hall). Identifiers: MedGen C5193098, MONDO:0032751, OMIM 618436.
MYH3-related disorder. Also called: MYH3-Related Disorders; MYH3-related condition. Identifiers: MedGen CN239329.
Distal arthrogryposis type 2B1 (DA2B1). Also called: Arthrogryposis multiplex congenita distal type II with craniofacial abnormalities. Identifiers: Orphanet 1147, MedGen C5193014, MONDO:0020820, OMIM 601680.
Freeman-Sheldon syndrome (DA2A). Also called: CRANIOCARPOTARSAL DYSPLASIA; CRANIOCARPOTARSAL DYSTROPHY; WHISTLING FACE-WINDMILL VANE HAND SYNDROME; Arthrogryposis, distal, type 2A (Freeman-Sheldon). Identifiers: Orphanet 2053, MedGen C0265224, MONDO:0008675, OMIM 193700.

Allele frequency attached by ClinVar (database versions not stated): gnomAD exomes 0.00106; 1000 Genomes Project 30x 0.00109; ExAC 0.00118; 1000 Genomes Project 0.00120; gnomAD 0.00137; ESP Exome Variant Server 0.00154; TOPMed 0.00165.
gnomAD v4.1: 2,898 of 1,613,438 alleles (0.18%); highest among the groups gnomAD compares: Non-Finnish European, 0.23%; 7 homozygotes.

Submissions (7):

Labcorp Genetics (formerly Invitae), Labcorp
Classification: Likely benign. Last evaluated: 2026-01-27. Review status: criteria provided, single submitter. Criteria: Invitae Variant Classification Sherloc (09022015). Collection method: clinical testing. Allele origin: germline.

GeneDx
Classification: Uncertain significance. Last evaluated: 2024-07-08. Review status: criteria provided, single submitter. Criteria: GeneDx Variant Classification Process June 2021. Collection method: clinical testing. Allele origin: germline. Affected: yes.
Comment: In silico analysis supports that this missense variant has a deleterious effect on protein structure/function; Has not been previously published as pathogenic or benign to our knowledge

CeGaT Center for Human Genetics Tuebingen
Classification: Uncertain significance. Last evaluated: 2019-07-01. Review status: criteria provided, single submitter. Criteria: CeGaT Center For Human Genetics Tuebingen Variant Classification Criteria Version 2. Collection method: clinical testing. Allele origin: germline. Affected: yes. Observed: 1 variant allele.

Centre for Mendelian Genomics, University Medical Centre Ljubljana
Classification: Uncertain significance for Arthrogryposis, distal, type 2B3. Last evaluated: 2019-05-06. Review status: criteria provided, single submitter. Criteria: ACMG Guidelines, 2015. Collection method: clinical testing. Allele origin: unknown. Affected: yes.
Comment: This variant was classified as: Uncertain significance. The available evidence favors the benign nature of this variant, however the evidence is insufficent to prove its benign nature. The following ACMG criteria were applied in classifying this variant: PP3.

Illumina Laboratory Services, Illumina
Classification: Likely benign for Distal arthrogryposis type 2B1. Last evaluated: 2018-01-12. Review status: criteria provided, single submitter. Criteria: ICSL Variant Classification Criteria 13 December 2019. Collection method: clinical testing. Allele origin: germline.
Comment: This variant was observed in the ICSL laboratory as part of a predisposition screen in an ostensibly healthy population. It had not been previously curated by ICSL or reported in the Human Gene Mutation Database (HGMD: prior to June 1st, 2018), and was therefore a candidate for classification through an automated scoring system. Utilizing variant allele frequency, disease prevalence and penetrance estimates, and inheritance mode, an automated score was calculated to assess if this variant is too frequent to cause the disease. Based on the score and internal cut-off values, a variant classified as likely benign is not then subjected to further curation. The score for this variant resulted in a classification of likely benign for this disease.

Illumina Laboratory Services, Illumina
Classification: Benign for Freeman-Sheldon syndrome. Last evaluated: 2018-01-12. Review status: criteria provided, single submitter. Criteria: ICSL Variant Classification Criteria 13 December 2019. Collection method: clinical testing. Allele origin: germline.
Comment: This variant was observed in the ICSL laboratory as part of a predisposition screen in an ostensibly healthy population. It had not been previously curated by ICSL or reported in the Human Gene Mutation Database (HGMD: prior to June 1st, 2018), and was therefore a candidate for classification through an automated scoring system. Utilizing variant allele frequency, disease prevalence and penetrance estimates, and inheritance mode, an automated score was calculated to assess if this variant is too frequent to cause the disease. Based on the score and internal cut-off values, a variant classified as benign is not then subjected to further curation. The score for this variant resulted in a classification of benign for this disease.

PreventionGenetics, part of Exact Sciences
Classification: Likely benign for MYH3-related condition. Last evaluated: 2020-09-02. Review status: no assertion criteria provided. Collection method: clinical testing. Allele origin: germline. Not counted in ClinVar's aggregate classification.
Comment: This variant is classified as likely benign based on ACMG/AMP sequence variant interpretation guidelines (Richards et al. 2015 PMID: 25741868, with internal and published modifications).

NM_002470.4(MYH3):c.3479C>T (p.Thr1160Met)

Gene: MYH3 (myosin heavy chain 3; minus strand). Cytogenetic location: 17p13.1.
Variant type: single nucleotide variant.
Coding change: c.3479C>T on transcript NM_002470.4 (MANE Select); coding-DNA position 3479, C replaced by T.
Protein change: p.Thr1160Met; replaces threonine 1160 with methionine.
Molecular consequence: missense variant.
Genome position (GRCh38, 1-based): chr17:10,638,293, G>A on the plus strand (C>T on the coding strand, the complement: MYH3 is on the minus strand). VCF-style: chr17-10638293-G-A. GRCh37 (hg19) VCF-style: chr17-10541610-G-A.
Other names: short protein forms T1160M.
Identifiers: ClinVar variation 321738 (VCV000321738.59), dbSNP rs145080512, ClinGen allele CA8392497.